The following is an entry in ClinVar:

ClinVar aggregate classification (germline): Uncertain significance. Review status: no assertion criteria provided (0 of 4 stars). 2 submissions from 1 submitter: Uncertain significance (1). 1 of the submissions does not count toward it.

Submissions (2):

Richard Lifton Laboratory, Yale University School of Medicine
Classification: Uncertain significance. Review status: no assertion criteria provided. Collection method: not provided. Allele origin: somatic.
Comment: OAT:p.V98A
ClinVar note: Converted during submission from unknown to Uncertain significance.

Richard Lifton Laboratory, Yale University School of Medicine
Classification: Uncertain significance. Review status: flagged submission. Collection method: not provided. Allele origin: somatic. Not counted in ClinVar's aggregate classification.
ClinVar note: Converted during submission from unknown to Uncertain significance.
ClinVar note: Reason: This record appears to be redundant with a more recent record from the same submitter.
ClinVar note: Notes: SCV000120026 appears to be redundant with SCV000155129.

NM_000274.4(OAT):c.293T>C (p.Val98Ala)

Gene: OAT (ornithine aminotransferase; minus strand). Cytogenetic location: 10q26.13.
Variant type: single nucleotide variant.
Coding change: c.293T>C on transcript NM_000274.4 (MANE Select); coding-DNA position 293, T replaced by C.
Protein change: p.Val98Ala; replaces valine 98 with alanine.
Molecular consequence: missense variant. On other transcripts: 5 prime UTR variant (2), intron variant (1).
Genome position (GRCh38, 1-based): chr10:124,408,872, A>G on the plus strand (T>C on the coding strand, the complement: OAT is on the minus strand). VCF-style: chr10-124408872-A-G. GRCh37 (hg19) VCF-style: chr10-126097441-A-G.
Other names: c.-122T>C (NM_001171814.2); c.293T>C, p.Val98Ala (NM_001322965.2, NM_001322966.2, NM_001322967.2 and 3 more transcripts); c.-422T>C (NM_001322974.2); c.199+3101T>C (NM_001322971.2); short protein forms V98A.
Identifiers: ClinVar variation 100806 (VCV000100806.2), dbSNP rs483352687, ClinGen allele CA228993.